The following is an entry in ClinVar:

NM_000156.6(GAMT):c.327+2T>G

Gene: GAMT (guanidinoacetate N-methyltransferase; minus strand). Cytogenetic location: 19p13.3.
Variant type: single nucleotide variant.
Coding change: c.327+2T>G on transcript NM_000156.6 (MANE Select); the canonical splice donor site of the intron after coding-DNA position 327, T replaced by G.
Molecular consequence: splice donor variant.
Genome position (GRCh38, 1-based): chr19:1,399,791, A>C on the plus strand (T>G on the coding strand, the complement: GAMT is on the minus strand). VCF-style: chr19-1399791-A-C. GRCh37 (hg19) VCF-style: chr19-1399790-A-C.
Other names: c.327+2T>G (NM_138924.3).
Identifiers: ClinVar variation 2715989 (VCV002715989.3), dbSNP rs965903439, ClinGen allele CA402995985.

ClinVar aggregate classification (germline): Likely pathogenic (1 of 4 stars; one submission).

Conditions:
Cerebral creatine deficiency syndrome. Also called: Creatine deficiency syndromes. Identifiers: Orphanet 79172, MedGen C5244016, MONDO:0000456.

Submission:

Labcorp Genetics (formerly Invitae), Labcorp
Classification: Likely pathogenic for Cerebral creatine deficiency syndrome. Last evaluated: 2023-06-15. Review status: criteria provided, single submitter. Criteria: Invitae Variant Classification Sherloc (09022015). Collection method: clinical testing. Allele origin: germline.
Comment: This sequence change affects a donor splice site in intron 2 of the GAMT gene. It is expected to disrupt RNA splicing. Variants that disrupt the donor or acceptor splice site typically lead to a loss of protein function (PMID: 16199547), and loss-of-function variants in GAMT are known to be pathogenic (PMID: 15108290). This variant is not present in population databases (gnomAD no frequency). This variant has not been reported in the literature in individuals affected with GAMT-related conditions. Algorithms developed to predict the effect of sequence changes on RNA splicing suggest that this variant may disrupt the consensus splice site. In summary, the currently available evidence indicates that the variant is pathogenic, but additional data are needed to prove that conclusively. Therefore, this variant has been classified as Likely Pathogenic.

Literature cited by the submitters: PubMed 16199547; PubMed 15108290.